The following is an entry in ClinVar:

ClinVar aggregate classification (germline): Uncertain significance (1 of 4 stars; one submission).

Submission:

Dasa
Classification: Uncertain significance. Last evaluated: 2025-09-09. Review status: criteria provided, single submitter. Criteria: DASA Assertion Criteria. Collection method: clinical testing. Allele origin: germline.
Comment: NM_004380.3(CREBBP):c.6863A>G (p.Gln2288Arg) is a missense variant that results in the substitution of glutamine with arginine. This variant is absent from population databases. Computational prediction algorithms are consistent with a benign effect. The currently available literature and clinical evidence are not sufficient to establish a definitive association between this variant and the reported condition. Therefore, this variant is classified as a variant of uncertain significance.

NM_004380.3(CREBBP):c.6863A>G (p.Gln2288Arg)

Gene: CREBBP (CREB binding lysine acetyltransferase; minus strand). Cytogenetic location: 16p13.3.
Variant type: single nucleotide variant.
Coding change: c.6863A>G on transcript NM_004380.3 (MANE Select); coding-DNA position 6863, A replaced by G.
Protein change: p.Gln2288Arg; replaces glutamine 2288 with arginine.
Molecular consequence: missense variant.
Genome position (GRCh38, 1-based): chr16:3,728,184, T>C on the plus strand (A>G on the coding strand, the complement: CREBBP is on the minus strand). VCF-style: chr16-3728184-T-C. GRCh37 (hg19) VCF-style: chr16-3778185-T-C.
Other names: c.6749A>G, p.Gln2250Arg (NM_001079846.1); short protein forms Q2250R, Q2288R.
Identifiers: ClinVar variation 4885907 (VCV004885907.2).
Genomic context (GRCh38, chr16:3,728,184, plus strand): 5'-GGGGACCCAATCTGCTGCTTCATCTGCTGTTGCTGCAGAATCCGCTGCTGCAGGGCTTGC[T>C]GGATGTTGGGGGTGCTGTCTGCCCCCAGCCCCGGCTGCCCCATCTGGCCAAGCTGTCCCA-3'
Protein context (NP_004371.2, residues 2278-2298): GLGADSTPNI[Gln2288Arg]QALQQRILQQ